The following is an entry in ClinVar:

ClinVar aggregate classification (germline): Uncertain significance (1 of 4 stars; one submission).

Submission:

Biesecker Lab/Clinical Genomics Section, National Institutes of Health
Classification: Uncertain significance. Last evaluated: 2013-06-24. Review status: criteria provided, single submitter. Criteria: Ng et al. (Circ Cardiovasc Genet. 2013). Collection method: research. Allele origin: unknown. Observed: 1 variant allele. Study: ClinSeq.
Comment: The study set was not selected for affection status in relation to any cancer. Pathogenicity categories were based on literature curation. See Pubmed ID:23861362 for details.

Medical sequencing

NM_001927.4(DES):c.1133A>C (p.Lys378Thr)

Gene: DES (desmin; plus strand). Cytogenetic location: 2q35.
Variant type: single nucleotide variant.
Coding change: c.1133A>C on transcript NM_001927.4 (MANE Select); coding-DNA position 1133, A replaced by C.
Protein change: p.Lys378Thr; replaces lysine 378 with threonine.
Molecular consequence: missense variant.
Genome position (GRCh38, 1-based): chr2:219,421,449, A>C. VCF-style: chr2-219421449-A-C. GRCh37 (hg19) VCF-style: chr2-220286171-A-C.
Other names: c.1133A>C (LRG_380t1); short protein forms K378T.
Identifiers: ClinVar variation 191615 (VCV000191615.1), dbSNP rs202010947, ClinGen allele CA237070.
Genomic context (GRCh38, chr2:219,421,449, plus strand): 5'-GTGAGGCCAGTGGCTACCAGGACAACATTGCGCGCCTGGAGGAGGAAATCCGGCACCTCA[A>C]GGATGAGATGGCCCGCCATCTGCGCGAGTACCAGGACCTGCTCAACGTGAAGATGGCCCT-3'
Protein context (NP_001918.3, residues 368-388): ARLEEEIRHL[Lys378Thr]DEMARHLREY